The following is an entry in ClinVar:

ClinVar aggregate classification (germline): Uncertain significance (1 of 4 stars; one submission).

Conditions:
Hyperkalemic periodic paralysis. Also called: Familial hyperkalemic periodic paralysis; Gamstorp disease. Identifiers: Orphanet 682, MedGen C0238357, MONDO:0008224, OMIM 170500, HP:0007215.

Submission:

Labcorp Genetics (formerly Invitae), Labcorp
Classification: Uncertain significance for Hyperkalemic periodic paralysis. Last evaluated: 2025-05-23. Review status: criteria provided, single submitter. Criteria: Invitae Variant Classification Sherloc (09022015). Collection method: clinical testing. Allele origin: germline.
Comment: This sequence change replaces leucine, which is neutral and non-polar, with methionine, which is neutral and non-polar, at codon 679 of the SCN4A protein (p.Leu679Met). This variant is not present in population databases (gnomAD no frequency). This variant has not been reported in the literature in individuals affected with SCN4A-related conditions. Invitae Evidence Modeling of protein sequence and biophysical properties (such as structural, functional, and spatial information, amino acid conservation, physicochemical variation, residue mobility, and thermodynamic stability) indicates that this missense variant is expected to disrupt SCN4A protein function with a positive predictive value of 80%. In summary, the available evidence is currently insufficient to determine the role of this variant in disease. Therefore, it has been classified as a Variant of Uncertain Significance.

NM_000334.4(SCN4A):c.2035C>A (p.Leu679Met)

Genes: GH-LCR (growth hormone locus control region; plus strand), SCN4A (sodium voltage-gated channel alpha subunit 4; minus strand). Cytogenetic location: 17q23.3.
Variant type: single nucleotide variant.
Coding change: c.2035C>A on transcript NM_000334.4 (MANE Select); coding-DNA position 2035, C replaced by A.
Protein change: p.Leu679Met; replaces leucine 679 with methionine.
Molecular consequence: missense variant.
Genome position (GRCh38, 1-based): chr17:63,957,503, G>T on the plus strand (C>A on the coding strand, the complement: SCN4A is on the minus strand). VCF-style: chr17-63957503-G-T. GRCh37 (hg19) VCF-style: chr17-62034863-G-T.
Other names: short protein forms L679M.
Identifiers: ClinVar variation 4747006 (VCV004747006.1).